The following is an entry in ClinVar:

NM_001042492.3(NF1):c.3242C>G (p.Ala1081Gly)

Gene: NF1 (neurofibromin 1; plus strand). Cytogenetic location: 17q11.2.
Variant type: single nucleotide variant.
Coding change: c.3242C>G on transcript NM_001042492.3 (MANE Select); coding-DNA position 3242, C replaced by G.
Protein change: p.Ala1081Gly; replaces alanine 1081 with glycine.
Molecular consequence: missense variant.
Genome position (GRCh38, 1-based): chr17:31,232,117, C>G. VCF-style: chr17-31232117-C-G. GRCh37 (hg19) VCF-style: chr17-29559135-C-G.
Other names: c.3242C>G, p.Ala1081Gly (NM_000267.4); short protein forms A1081G.
Identifiers: ClinVar variation 457637 (VCV000457637.20), dbSNP rs769941435, ClinGen allele CA8486127.

ClinVar aggregate classification (germline): Conflicting classifications of pathogenicity. Review status: criteria provided, conflicting classifications (1 of 4 stars). 5 submissions from 5 submitters: Uncertain significance (3); Likely benign (2). Last evaluated 2025-08-11.

Conditions:
Cardiovascular phenotype. Identifiers: MedGen CN230736.
Hereditary cancer-predisposing syndrome. Also called: Hereditary Cancer Syndrome; Hereditary neoplastic syndrome; Tumor predisposition; Neoplastic Syndromes, Hereditary. Identifiers: Orphanet 140162, MedGen C0027672, MeSH D009386, MONDO:0015356.
Neurofibromatosis, type 1 (NF1). Also called: VON RECKLINGHAUSEN DISEASE; NEUROFIBROMATOSIS, TYPE I, SOMATIC; Peripheral type neurofibromatosis; Neurofibromatosis, type I. Identifiers: Orphanet 636, MedGen C0027831, MONDO:0018975, OMIM 162200. Disease mechanism: loss of function.
Café-au-lait macules with pulmonary stenosis (WTSN). Also called: PULMONIC STENOSIS WITH CAFE-AU-LAIT SPOTS. Identifiers: MedGen C0553586, MONDO:0008672, OMIM 193520.
Juvenile myelomonocytic leukemia (JMML). Also called: LEUKEMIA, JUVENILE MYELOMONOCYTIC, SOMATIC. Identifiers: Orphanet 86834, MedGen C0349639, MONDO:0011908, OMIM 607785, HP:0012209.
Neurofibromatosis-Noonan syndrome (NFNS). Also called: NEUROFIBROMATOSIS WITH NOONAN PHENOTYPE. Identifiers: Orphanet 638, MedGen C2931482, MONDO:0011035, OMIM 601321. Disease mechanism: loss of function.
Neurofibromatosis, familial spinal (FSNF). Identifiers: Orphanet 636, MedGen C1834235, MONDO:0008078, OMIM 162210. Disease mechanism: loss of function.

Allele frequency attached by ClinVar (database versions not stated): gnomAD 0.00001; gnomAD exomes 0.00001 and 0.00002; TOPMed 0.00001; ExAC 0.00003.
gnomAD v4.1: 21 of 1,556,184 alleles (0.0013%); highest among the groups gnomAD compares: Admixed American, 0.013%; no homozygotes.

Submissions (5):

Quest Diagnostics Nichols Institute San Juan Capistrano
Classification: Uncertain significance. Last evaluated: 2025-08-11. Review status: criteria provided, single submitter. Criteria: Quest Diagnostics criteria. Collection method: clinical testing. Allele origin: unknown.

Labcorp Genetics (formerly Invitae), Labcorp
Classification: Likely benign for Neurofibromatosis, type 1. Last evaluated: 2025-05-05. Review status: criteria provided, single submitter. Criteria: Invitae Variant Classification Sherloc (09022015). Collection method: clinical testing. Allele origin: germline.

Fulgent Genetics
Classification: Uncertain significance for Neurofibromatosis, type 1; Neurofibromatosis, familial spinal; Café-au-lait macules with pulmonary stenosis; Neurofibromatosis-Noonan syndrome; Juvenile myelomonocytic leukemia. Last evaluated: 2024-03-07. Review status: criteria provided, single submitter. Criteria: ACMG Guidelines, 2015. Collection method: clinical testing. Allele origin: germline.

Genetic Services Laboratory, University of Chicago
Classification: Uncertain significance. Last evaluated: 2021-09-17. Review status: criteria provided, single submitter. Criteria: ACMG Guidelines, 2015. Collection method: clinical testing. Allele origin: germline. Affected: no.
Comment: DNA sequence analysis of the NF1 gene demonstrated a sequence change, c.3242C>G, in exon 25 that results in an amino acid change, p.Ala1081Gly. This sequence change does not appear to have been previously described in patients with NF1-related disorders and has been described in the gnomAD database with a low population frequency of 0.0020% (dbSNP rs769941435). The p.Ala1081Gly change affects a moderately conserved amino acid residue located in a domain of the NF1 protein that is known to be functional. In-silico pathogenicity prediction tools (SIFT, PolyPhen2, Align GVGD, REVEL) provide contradictory results for the p.Ala1081Gly substitution. Due to these contrasting evidences and the lack of functional studies, the clinical significance of the p.Ala1081Gly change remains unknown at this time.

Ambry Genetics
Classification: Likely benign for Cardiovascular phenotype; Hereditary cancer-predisposing syndrome. Last evaluated: 2020-07-15. Review status: criteria provided, single submitter. Criteria: Ambry Variant Classification Scheme 2023. Collection method: clinical testing. Allele origin: germline.